The following is an entry in ClinVar:

NM_020964.3(EPG5):c.1126C>T (p.His376Tyr)

Gene: EPG5 (ectopic P-granules 5 autophagy tethering factor; minus strand). Cytogenetic location: 18q21.1.
Variant type: single nucleotide variant.
Coding change: c.1126C>T on transcript NM_020964.3 (MANE Select); coding-DNA position 1126, C replaced by T.
Protein change: p.His376Tyr; replaces histidine 376 with tyrosine.
Molecular consequence: missense variant.
Genome position (GRCh38, 1-based): chr18:45,952,526, G>A on the plus strand (C>T on the coding strand, the complement: EPG5 is on the minus strand). VCF-style: chr18-45952526-G-A. GRCh37 (hg19) VCF-style: chr18-43532492-G-A.
Other names: short protein forms H376Y.
Identifiers: ClinVar variation 1360568 (VCV001360568.8), dbSNP rs2143747766, ClinGen allele CA402350173.

ClinVar aggregate classification (germline): Uncertain significance (1 of 4 stars; one submission).

Conditions:
Vici syndrome (VICIS). Identifiers: Orphanet 1493, MedGen C1855772, MONDO:0009452, OMIM 242840.

Submission:

Labcorp Genetics (formerly Invitae), Labcorp
Classification: Uncertain significance for Vici syndrome. Last evaluated: 2021-06-13. Review status: criteria provided, single submitter. Criteria: Invitae Variant Classification Sherloc (09022015). Collection method: clinical testing. Allele origin: germline.
Comment: In summary, the available evidence is currently insufficient to determine the role of this variant in disease. Therefore, it has been classified as a Variant of Uncertain Significance. Algorithms developed to predict the effect of missense changes on protein structure and function are either unavailable or do not agree on the potential impact of this missense change (SIFT: "Tolerated"; PolyPhen-2: "Possibly Damaging"; Align-GVGD: "Class C0"). This variant has not been reported in the literature in individuals with EPG5-related conditions. This variant is not present in population databases (ExAC no frequency). This sequence change replaces histidine with tyrosine at codon 376 of the EPG5 protein (p.His376Tyr). The histidine residue is moderately conserved and there is a moderate physicochemical difference between histidine and tyrosine.